The following is an entry in ClinVar:

NM_000257.4(MYH7):c.1000-11C>A

Gene: MYH7 (myosin heavy chain 7; minus strand). Cytogenetic location: 14q11.2.
Variant type: single nucleotide variant.
Coding change: c.1000-11C>A on transcript NM_000257.4 (MANE Select); 11 bases into the intron before coding-DNA position 1000, C replaced by A.
Molecular consequence: intron variant.
Genome position (GRCh38, 1-based): chr14:23,429,924, G>T on the plus strand (C>A on the coding strand, the complement: MYH7 is on the minus strand). VCF-style: chr14-23429924-G-T. GRCh37 (hg19) VCF-style: chr14-23899133-G-T.
Other names: c.1000-11C>A (NM_001407004.1).
Identifiers: ClinVar variation 2773964 (VCV002773964.2), dbSNP rs2502305899, ClinGen allele CA2624240459.

ClinVar aggregate classification (germline): Uncertain significance (1 of 4 stars; one submission).

Conditions:
Cardiomyopathy (CMYO). Also called: Cardiomyopathies. Identifiers: Orphanet 167848, MedGen C0878544, MONDO:0004994, HP:0001638. Inheritance: Various modes of inheritance.

gnomAD v4.1: 1 of 1,613,780 alleles (0.000062%); highest among the groups gnomAD compares: East Asian, 0.0022%; no homozygotes.

Submission:

Color Diagnostics, LLC DBA Color Health
Classification: Uncertain significance for Cardiomyopathy. Last evaluated: 2021-10-25. Review status: criteria provided, single submitter. Criteria: ACMG Guidelines, 2015. Collection method: clinical testing. Allele origin: germline.
Comment: This variant causes a C to A nucleotide substitution at the -11 position of intron 11 of the MYH7 gene. Splice prediction tools and conservation analysis are inconclusive regarding the impact of this variant on RNA splicing. To our knowledge, functional studies have not been reported for this variant. This variant has not been reported in individuals affected with cardiovascular disorders in the literature. This variant has not been identified in the general population by the Genome Aggregation Database (gnomAD). The available evidence is insufficient to determine the role of this variant in disease conclusively. Therefore, this variant is classified as a Variant of Uncertain Significance.